The following is an entry in ClinVar:

NM_153498.4(CAMK1D):c.450_451del (p.Leu151fs)

Gene: CAMK1D (calcium/calmodulin dependent protein kinase ID; plus strand). Cytogenetic location: 10p13.
Variant type: Microsatellite.
Coding change: c.450_451del on transcript NM_153498.4 (MANE Select); coding-DNA positions 450 to 451, 2 bases deleted (CT; older notation c.450_451delCT).
Protein change: p.Leu151fs; shifts the reading frame from leucine 151.
Molecular consequence: frameshift variant.
Genome position (GRCh38, 1-based): chr10:12,769,684-12,769,685, CT deleted; deleting any 2 consecutive bases within chr10:12,769,681-12,769,685 gives the same sequence; the c. name uses the placement nearest the transcript's 3' end. VCF-style (leftmost placement, unchanged base first): chr10-12769680-ATC-A. GRCh37 (hg19) VCF-style: chr10-12811679-ATC-A.
Other names: c.450_451delCT (NM_153498.4); c.159_160del, p.Leu54fs (NM_001351032.2); c.450_451del, p.Leu151fs (NM_020397.4); short protein forms L151fs, L54fs.
Identifiers: ClinVar variation 3376508 (VCV003376508.2).

ClinVar aggregate classification (germline): Likely pathogenic (1 of 4 stars; one submission).

Conditions:
Intellectual disability. Also called: Intellectual developmental disorder; Intellectual functioning disability; intellectual disabilities. Identifiers: MedGen C3714756, MeSH D008607, MONDO:0001071, HP:0001249.

Submission:

Genologica Medica
Classification: Likely pathogenic for Intellectual disability. Last evaluated: 2024-11-11. Review status: criteria provided, single submitter. Criteria: ACMG Guidelines, 2015. Collection method: clinical testing. Allele origin: de novo. Inheritance: Autosomal dominant inheritance. Affected: yes. Observed: 1 heterozygote.
Comment: This de novo detected variant c.450_451delC (p.Leu151fs) detected in Heterozygosity in exon 5 of the CAMK1D gene causes the loss of 2 nucleotides of the c.DNA (NM_153498.4) and, consequently, gives rise to a break in the open reading frame. The protein consequence involves a change in the amino acid sequence downstream of Leucine (Leu) located at position 151 and, probably, the appearance of a premature stop codon (STOP). This variant is expected to result in an absent or non-functional protein product. This variant has not been reported so far in the control population database (GnomAD - not frequent). This variant has not been reported so far in the ClinVar database nor, to our knowledge, has it been published in the scientific literature. Based on the criteria described, this alteration is classified as a Probably Pathogenic variant.